The following is an entry in ClinVar:

NM_003718.5(CDK13):c.2194G>A (p.Ala732Thr)

Gene: CDK13 (cyclin dependent kinase 13; plus strand). Cytogenetic location: 7p14.1.
Variant type: single nucleotide variant.
Coding change: c.2194G>A on transcript NM_003718.5 (MANE Select); coding-DNA position 2194, G replaced by A.
Protein change: p.Ala732Thr; replaces alanine 732 with threonine.
Molecular consequence: missense variant.
Genome position (GRCh38, 1-based): chr7:40,001,872, G>A. VCF-style: chr7-40001872-G-A. GRCh37 (hg19) VCF-style: chr7-40041471-G-A.
Other names: c.2194G>A, p.Ala732Thr (NM_031267.4); short protein forms A732T.
Identifiers: ClinVar variation 827814 (VCV000827814.3), dbSNP rs1583972803, ClinGen allele CA367289033.

ClinVar aggregate classification (germline): Likely pathogenic. Review status: criteria provided, multiple submitters, no conflicts (2 of 4 stars). 2 submissions from 2 submitters: Likely pathogenic (2). Last evaluated 2026-02-27.

Conditions:
Congenital heart defects, dysmorphic facial features, and intellectual developmental disorder (CHDFIDD). Identifiers: Orphanet 646278, MedGen C4479246, MONDO:0044302, OMIM 617360.

Submissions (2):

Institute of Human Genetics, Heidelberg University
Classification: Likely pathogenic for Congenital heart defects, dysmorphic facial features, and intellectual developmental disorder. Last evaluated: 2026-02-27. Review status: criteria provided, single submitter. Criteria: ACMG Guidelines, 2015. Collection method: clinical testing. Allele origin: de novo. Affected: yes. Observed: 1 variant allele.
Comment: PM1; PP3_mod; PS2_sup; PM2_sup

Equipe Genetique des Anomalies du Developpement, Université de Bourgogne
Classification: Likely pathogenic for Congenital heart defects, dysmorphic facial features, and intellectual developmental disorder. Last evaluated: 2019-08-09. Review status: criteria provided, single submitter. Criteria: ACMG Guidelines, 2015. Collection method: clinical testing. Allele origin: de novo. Affected: yes.